The following is an entry in ClinVar:

NM_001374259.2(IL12RB2):c.414G>C (p.Gln138His)

Gene: IL12RB2 (interleukin 12 receptor subunit beta 2; plus strand). Cytogenetic location: 1p31.3.
Variant type: single nucleotide variant.
Coding change: c.414G>C on transcript NM_001374259.2 (MANE Select); coding-DNA position 414, G replaced by C.
Protein change: p.Gln138His; replaces glutamine 138 with histidine.
Molecular consequence: missense variant. On other transcripts: non-coding transcript variant (2).
Genome position (GRCh38, 1-based): chr1:67,326,784, G>C. VCF-style: chr1-67326784-G-C. GRCh37 (hg19) VCF-style: chr1-67792467-G-C.
Other names: c.414G>C, p.Gln138His (NM_001258215.1, NM_001258216.1, NM_001319233.1 and 2 more transcripts); short protein forms Q138H.
Identifiers: ClinVar variation 2815692 (VCV002815692.3), dbSNP rs774040234, ClinGen allele CA900182.

ClinVar aggregate classification (germline): Uncertain significance (1 of 4 stars; one submission).

Allele frequency attached by ClinVar (database versions not stated): ExAC 0.00001; gnomAD 0.00001; TOPMed 0.00001.
gnomAD v4.1: 2 of 1,613,798 alleles (0.00012%); highest among the groups gnomAD compares: African/African-American, 0.0027%; no homozygotes.

Submission:

Labcorp Genetics (formerly Invitae), Labcorp
Classification: Uncertain significance. Last evaluated: 2022-11-23. Review status: criteria provided, single submitter. Criteria: Invitae Variant Classification Sherloc (09022015). Collection method: clinical testing. Allele origin: germline.
Comment: In summary, the available evidence is currently insufficient to determine the role of this variant in disease. Therefore, it has been classified as a Variant of Uncertain Significance. Algorithms developed to predict the effect of missense changes on protein structure and function output the following: SIFT: "Tolerated"; PolyPhen-2: "Benign"; Align-GVGD: "Class C0". The histidine amino acid residue is found in multiple mammalian species, which suggests that this missense change does not adversely affect protein function. This variant has not been reported in the literature in individuals affected with IL12RB2-related conditions. This variant is present in population databases (rs774040234, gnomAD 0.008%). This sequence change replaces glutamine, which is neutral and polar, with histidine, which is basic and polar, at codon 138 of the IL12RB2 protein (p.Gln138His).